The following is an entry in ClinVar:

ClinVar aggregate classification (germline): Uncertain significance (1 of 4 stars; one submission).

Submission:

Labcorp Genetics (formerly Invitae), Labcorp
Classification: Uncertain significance. Last evaluated: 2022-06-15. Review status: criteria provided, single submitter. Criteria: Invitae Variant Classification Sherloc (09022015). Collection method: clinical testing. Allele origin: germline.
Comment: In summary, the available evidence is currently insufficient to determine the role of this variant in disease. Therefore, it has been classified as a Variant of Uncertain Significance. Algorithms developed to predict the effect of missense changes on protein structure and function (SIFT, PolyPhen-2, Align-GVGD) all suggest that this variant is likely to be tolerated. This variant has not been reported in the literature in individuals affected with FLVCR1-related conditions. This variant is not present in population databases (gnomAD no frequency). This sequence change replaces methionine, which is neutral and non-polar, with valine, which is neutral and non-polar, at codon 151 of the FLVCR1 protein (p.Met151Val).

NM_014053.4(FLVCR1):c.451A>G (p.Met151Val)

Gene: FLVCR1 (FLVCR choline and heme transporter 1; plus strand). Cytogenetic location: 1q32.3.
Variant type: single nucleotide variant.
Coding change: c.451A>G on transcript NM_014053.4 (MANE Select); coding-DNA position 451, A replaced by G.
Protein change: p.Met151Val; replaces methionine 151 with valine.
Molecular consequence: missense variant.
Genome position (GRCh38, 1-based): chr1:212,858,903, A>G. VCF-style: chr1-212858903-A-G. GRCh37 (hg19) VCF-style: chr1-213032245-A-G.
Other names: short protein forms M151V.
Identifiers: ClinVar variation 2112504 (VCV002112504.3), dbSNP rs1206028239, ClinGen allele CA344796343.
Genomic context (GRCh38, chr1:212,858,903, plus strand): 5'-ATTAGCAACGTCTTCGAGGGCTTCTACGGTGTCACCTTGCTGCACATCGACTGGCTGTCC[A>G]TGGTGTACATGCTGGCCTACGTGCCCCTCATCTTCCCGGCCACCTGGCTGCTGGACACCA-3'
Protein context (NP_054772.1, residues 141-161): VTLLHIDWLS[Met151Val]VYMLAYVPLI